The following is an entry in ClinVar:

NM_032638.5(GATA2):c.1143+66C>T

Gene: GATA2 (GATA binding protein 2; minus strand). Cytogenetic location: 3q21.3.
Variant type: single nucleotide variant.
Coding change: c.1143+66C>T on transcript NM_032638.5 (MANE Select); 66 bases into the intron after coding-DNA position 1143, C replaced by T.
Molecular consequence: intron variant.
Genome position (GRCh38, 1-based): chr3:128,481,753, G>A on the plus strand (C>T on the coding strand, the complement: GATA2 is on the minus strand). VCF-style: chr3-128481753-G-A. GRCh37 (hg19) VCF-style: chr3-128200596-G-A.
Other names: c.1101+66C>T (NM_001145662.1); c.1143+66C>T (NM_001145661.2).
Identifiers: ClinVar variation 4620614 (VCV004620614.1).

ClinVar aggregate classification (germline): Uncertain significance (1 of 4 stars; one submission).

Conditions:
Inborn genetic diseases. Identifiers: MedGen C0950123, MeSH D030342.

Submission:

Ambry Genetics
Classification: Uncertain significance for Inborn genetic diseases. Last evaluated: 2025-09-23. Review status: criteria provided, single submitter. Criteria: Ambry Variant Classification Scheme 2023. Collection method: clinical testing. Allele origin: germline.
Comment: The c.1143+66C>T intronic variant results from a C to T substitution 66 nucleotides after coding exon 4 in the GATA2 gene. This nucleotide position is well conserved in available vertebrate species. In silico splice site analysis predicts that this alteration will result in the creation or strengthening of a novel splice donor site. RNA studies have demonstrated that this alteration results in a splice defect; the clinical impact of this abnormal splicing is unknown at this time (Ambry internal data). Based on the available evidence, the clinical significance of this variant remains unclear.